The following is an entry in ClinVar:

NM_014714.4(IFT140):c.4263C>T (p.Asp1421=)

Gene: IFT140 (intraflagellar transport 140; minus strand). Cytogenetic location: 16p13.3.
Variant type: single nucleotide variant.
Coding change: c.4263C>T on transcript NM_014714.4 (MANE Select); coding-DNA position 4263, C replaced by T.
Protein change: p.Asp1421=; no amino-acid change (aspartic acid 1421 retained).
Molecular consequence: synonymous variant.
Genome position (GRCh38, 1-based): chr16:1,511,070, G>A on the plus strand (C>T on the coding strand, the complement: IFT140 is on the minus strand). VCF-style: chr16-1511070-G-A. GRCh37 (hg19) VCF-style: chr16-1561071-G-A.
Identifiers: ClinVar variation 767489 (VCV000767489.13), dbSNP rs138436199, ClinGen allele CA7812809.
Genomic context (GRCh38, chr16:1,511,070, plus strand): 5'-GTGGCGGACCTGCTCGGGGACGGTGCGTGGCAGTGGGAGACCCAGCCCCCGGTGCACGGC[G>A]TCCACGGCCTGCGGGCTCACGTAGTAGGACATGTTGGCCAAGGGAAGCCGCCGCCGCATC-3'
Protein context (NP_055529.2, residues 1411-1431): MSYYVSPQAV[Asp1421=]AVHRGLGLPL

ClinVar aggregate classification (germline): Likely benign. Review status: criteria provided, multiple submitters, no conflicts (2 of 4 stars). 3 submissions from 3 submitters: Likely benign (2). 1 of the submissions does not count toward it. Last evaluated 2025-12-23.

Conditions:
IFT140-related disorder. Also called: IFT140-related condition.
Saldino-Mainzer syndrome (SRTD9). Also called: CONORENAL SYNDROME; short-rib thoracic dysplasia 9 with or without polydactyly; Renal dysplasia, retinal pigmentary dystrophy, cerebellar ataxia and skeletal dysplasia; SHORT-RIB THORACIC DYSPLASIA 9 WITHOUT POLYDACTYLY. Identifiers: Orphanet 140969, MedGen C1849437, MONDO:0009964, OMIM 266920.

Allele frequency attached by ClinVar (database versions not stated): gnomAD exomes 0.00002 and 0.00005; TOPMed 0.00002; gnomAD 0.00003; ExAC 0.00007; ESP Exome Variant Server 0.00008.
gnomAD v4.1: 32 of 1,609,058 alleles (0.002%); highest among the groups gnomAD compares: South Asian, 0.0055%; no homozygotes.

Submissions (3):

Labcorp Genetics (formerly Invitae), Labcorp
Classification: Likely benign for Saldino-Mainzer syndrome. Last evaluated: 2025-12-23. Review status: criteria provided, single submitter. Criteria: Invitae Variant Classification Sherloc (09022015). Collection method: clinical testing. Allele origin: germline.

Blueprint Genetics
Classification: Likely benign. Last evaluated: 2023-12-14. Review status: criteria provided, single submitter. Criteria: ACMG Guidelines, 2015. Collection method: clinical testing. Allele origin: germline.

PreventionGenetics, part of Exact Sciences
Classification: Likely benign for IFT140-related condition. Last evaluated: 2023-07-10. Review status: no assertion criteria provided. Collection method: clinical testing. Allele origin: germline. Not counted in ClinVar's aggregate classification.
Comment: This variant is classified as likely benign based on ACMG/AMP sequence variant interpretation guidelines (Richards et al. 2015 PMID: 25741868, with internal and published modifications).